The following is an entry in ClinVar:

NM_207361.6(FREM2):c.3682A>G (p.Thr1228Ala)

Gene: FREM2 (FRAS1 related extracellular matrix 2; plus strand). Cytogenetic location: 13q13.3.
Variant type: single nucleotide variant.
Coding change: c.3682A>G on transcript NM_207361.6 (MANE Select); coding-DNA position 3682, A replaced by G.
Protein change: p.Thr1228Ala; replaces threonine 1228 with alanine.
Molecular consequence: missense variant.
Genome position (GRCh38, 1-based): chr13:38,691,026, A>G. VCF-style: chr13-38691026-A-G. GRCh37 (hg19) VCF-style: chr13-39265163-A-G.
Other names: c.3682A>G (NM_207361.4); short protein forms T1228A.
Identifiers: ClinVar variation 1964926 (VCV001964926.3), dbSNP rs754959035, ClinGen allele CA6954834.

ClinVar aggregate classification (germline): Uncertain significance. Review status: criteria provided, multiple submitters, no conflicts (2 of 4 stars). 2 submissions from 2 submitters: Uncertain significance (2). Last evaluated 2025-12-09.

Conditions:
Inborn genetic diseases. Identifiers: MedGen C0950123, MeSH D030342.

Allele frequency attached by ClinVar (database versions not stated): TOPMed 0.00003; gnomAD 0.00002; gnomAD exomes 0.00003; ExAC 0.00002.
gnomAD v4.1: 40 of 1,613,992 alleles (0.0025%); highest among the groups gnomAD compares: Non-Finnish European, 0.0027%; no homozygotes.

Submissions (2):

Ambry Genetics
Classification: Uncertain significance for Inborn genetic diseases. Last evaluated: 2025-12-09. Review status: criteria provided, single submitter. Criteria: Ambry Variant Classification Scheme 2023. Collection method: clinical testing. Allele origin: germline.

Labcorp Genetics (formerly Invitae), Labcorp
Classification: Uncertain significance. Last evaluated: 2022-03-04. Review status: criteria provided, single submitter. Criteria: Invitae Variant Classification Sherloc (09022015). Collection method: clinical testing. Allele origin: germline.
Comment: This sequence change replaces threonine, which is neutral and polar, with alanine, which is neutral and non-polar, at codon 1228 of the FREM2 protein (p.Thr1228Ala). This variant is present in population databases (rs754959035, gnomAD 0.003%). This variant has not been reported in the literature in individuals affected with FREM2-related conditions. Algorithms developed to predict the effect of missense changes on protein structure and function (SIFT, PolyPhen-2, Align-GVGD) all suggest that this variant is likely to be tolerated. In summary, the available evidence is currently insufficient to determine the role of this variant in disease. Therefore, it has been classified as a Variant of Uncertain Significance.